The following is an entry in ClinVar:

ClinVar aggregate classification (germline): Uncertain significance. Review status: criteria provided, multiple submitters, no conflicts (2 of 4 stars). 3 submissions from 3 submitters: Uncertain significance (3). Last evaluated 2025-12-30.

Conditions:
Inborn genetic diseases. Identifiers: MedGen C0950123, MeSH D030342.
EYS-related disorder. Also called: EYS-related condition.

Allele frequency attached by ClinVar (database versions not stated): gnomAD 0.00001; gnomAD exomes 0.00001; TOPMed 0.00001.
gnomAD v4.1: 15 of 1,551,246 alleles (0.00097%); highest among the groups gnomAD compares: Non-Finnish European, 0.001%; no homozygotes.

Submissions (3):

PreventionGenetics, part of Exact Sciences
Classification: Uncertain significance for EYS-related condition. Last evaluated: 2025-12-30. Review status: criteria provided, single submitter. Criteria: ACMG Guidelines, 2015. Collection method: clinical testing. Allele origin: germline.
Comment: The EYS c.8327T>A variant is predicted to result in the amino acid substitution p.Val2776Glu. To our knowledge, this variant has not been reported in the literature. This variant is reported in 0.0033% of alleles in individuals of European (Non-Finnish) descent in gnomAD. At this time, the clinical significance of this variant is uncertain due to the absence of conclusive functional and genetic evidence.

Labcorp Genetics (formerly Invitae), Labcorp
Classification: Uncertain significance. Last evaluated: 2024-11-05. Review status: criteria provided, single submitter. Criteria: Invitae Variant Classification Sherloc (09022015). Collection method: clinical testing. Allele origin: germline.
Comment: This sequence change replaces valine, which is neutral and non-polar, with glutamic acid, which is acidic and polar, at codon 2776 of the EYS protein (p.Val2776Glu). This variant is present in population databases (no rsID available, gnomAD 0.003%). This variant has not been reported in the literature in individuals affected with EYS-related conditions. ClinVar contains an entry for this variant (Variation ID: 2153514). Invitae Evidence Modeling of protein sequence and biophysical properties (such as structural, functional, and spatial information, amino acid conservation, physicochemical variation, residue mobility, and thermodynamic stability) has been performed for this missense variant. However, the output from this modeling did not meet the statistical confidence thresholds required to predict the impact of this variant on EYS protein function. In summary, the available evidence is currently insufficient to determine the role of this variant in disease. Therefore, it has been classified as a Variant of Uncertain Significance.

Ambry Genetics
Classification: Uncertain significance for Inborn genetic diseases. Last evaluated: 2024-10-07. Review status: criteria provided, single submitter. Criteria: Ambry Variant Classification Scheme 2023. Collection method: clinical testing. Allele origin: germline.

NM_001142800.2(EYS):c.8327T>A (p.Val2776Glu)

Genes: EYS (EGF-like photoreceptor maintenance factor; minus strand), PHF3 (PHD finger protein 3; plus strand). Cytogenetic location: 6q12.
Variant type: single nucleotide variant.
Coding change: c.8327T>A on transcript NM_001142800.2 (MANE Select); coding-DNA position 8327, T replaced by A.
Protein change: p.Val2776Glu; replaces valine 2776 with glutamic acid.
Molecular consequence: missense variant. On other transcripts: 3 prime UTR variant (5).
Genome position (GRCh38, 1-based): chr6:63,721,704, A>T on the plus strand (T>A on the coding strand, the complement: EYS is on the minus strand). VCF-style: chr6-63721704-A-T. GRCh37 (hg19) VCF-style: chr6-64431600-A-T.
Other names: c.8327T>A (NM_001142800.1); c.*7996A>T (NM_001290259.2, NM_001370348.2, NM_001370349.2 and 2 more transcripts); c.8390T>A, p.Val2797Glu (NM_001292009.2); short protein forms V2797E, V2776E.
Identifiers: ClinVar variation 2153514 (VCV002153514.5), dbSNP rs1561994303, ClinGen allele CA364385180.